The following is an entry in ClinVar:

NM_004360.5(CDH1):c.538T>G (p.Ser180Ala)

Gene: CDH1 (cadherin 1; plus strand). Cytogenetic location: 16q22.1.
Variant type: single nucleotide variant.
Coding change: c.538T>G on transcript NM_004360.5 (MANE Select); coding-DNA position 538, T replaced by G.
Protein change: p.Ser180Ala; replaces serine 180 with alanine.
Molecular consequence: missense variant. On other transcripts: 5 prime UTR variant (2).
Genome position (GRCh38, 1-based): chr16:68,808,699, T>G. VCF-style: chr16-68808699-T-G. GRCh37 (hg19) VCF-style: chr16-68842602-T-G.
Other names: c.538T>G, p.Ser180Ala (NM_001317184.2); c.-1078T>G (NM_001317185.2); c.-1282T>G (NM_001317186.2); short protein forms S180A.
Identifiers: ClinVar variation 5016824 (VCV005016824.1).

ClinVar aggregate classification (germline): Uncertain significance (1 of 4 stars; one submission).

Submission:

GeneDx
Classification: Uncertain significance. Last evaluated: 2026-03-19. Review status: criteria provided, single submitter. Criteria: GeneDx Variant Classification Process June 2021. Collection method: clinical testing. Allele origin: germline.
Comment: Not observed at significant frequency in large population cohorts (gnomAD); In silico analysis suggests that this missense variant does not alter protein structure/function; This variant is associated with the following publications: (PMID: 33057194, 37010288, 35982159, 15235021, 22850631)